The following is an entry in ClinVar:

ClinVar aggregate classification (germline): Uncertain significance. Review status: criteria provided, multiple submitters, no conflicts (2 of 4 stars). 3 submissions from 3 submitters: Uncertain significance (3). Last evaluated 2025-08-25.

Conditions:
Inborn genetic diseases. Identifiers: MedGen C0950123, MeSH D030342.
Smith-Magenis syndrome (SMS). Also called: CHROMOSOME 17p11.2 DELETION SYNDROME. Identifiers: Orphanet 819, MedGen C0795864, MONDO:0008434, OMIM 182290.

gnomAD v4.1: 1 of 1,611,748 alleles (0.000062%); no homozygotes.

Submissions (3):

Ambry Genetics
Classification: Uncertain significance for Inborn genetic diseases. Last evaluated: 2025-08-25. Review status: criteria provided, single submitter. Criteria: Ambry Variant Classification Scheme 2023. Collection method: clinical testing. Allele origin: germline.

Labcorp Genetics (formerly Invitae), Labcorp
Classification: Uncertain significance. Last evaluated: 2025-07-10. Review status: criteria provided, single submitter. Criteria: Invitae Variant Classification Sherloc (09022015). Collection method: clinical testing. Allele origin: germline.
Comment: This sequence change replaces arginine, which is basic and polar, with serine, which is neutral and polar, at codon 94 of the RAI1 protein (p.Arg94Ser). This variant is not present in population databases (gnomAD no frequency). This variant has not been reported in the literature in individuals affected with RAI1-related conditions. ClinVar contains an entry for this variant (Variation ID: 2431950). Invitae Evidence Modeling of protein sequence and biophysical properties (such as structural, functional, and spatial information, amino acid conservation, physicochemical variation, residue mobility, and thermodynamic stability) indicates that this missense variant is not expected to disrupt RAI1 protein function with a negative predictive value of 80%. In summary, the available evidence is currently insufficient to determine the role of this variant in disease. Therefore, it has been classified as a Variant of Uncertain Significance.

Laboratorio de Genetica e Diagnostico Molecular, Hospital Israelita Albert Einstein
Classification: Uncertain significance for Smith-Magenis syndrome. Last evaluated: 2022-10-28. Review status: criteria provided, single submitter. Criteria: ACMG Guidelines, 2015. Collection method: clinical testing. Allele origin: germline. Affected: yes.
Comment: ACMG classification criteria: PM2 moderated, BP4 supporting

NM_030665.4(RAI1):c.282G>T (p.Arg94Ser)

Gene: RAI1 (retinoic acid induced 1; plus strand). Cytogenetic location: 17p11.2.
Variant type: single nucleotide variant.
Coding change: c.282G>T on transcript NM_030665.4 (MANE Select); coding-DNA position 282, G replaced by T.
Protein change: p.Arg94Ser; replaces arginine 94 with serine.
Molecular consequence: missense variant.
Genome position (GRCh38, 1-based): chr17:17,793,230, G>T. VCF-style: chr17-17793230-G-T. GRCh37 (hg19) VCF-style: chr17-17696544-G-T.
Other names: c.282G>T (NM_030665.3); short protein forms R94S.
Identifiers: ClinVar variation 2431950 (VCV002431950.4), dbSNP rs1334421949, ClinGen allele CA398545127.